The following is an entry in ClinVar:

ClinVar aggregate classification (germline): Likely benign (0 of 4 stars; one submission).

Conditions:
WDR48-related disorder. Also called: WDR48-related condition.

Allele frequency attached by ClinVar (database versions not stated): gnomAD exomes 0.00002; ExAC 0.00007; 1000 Genomes Project 30x 0.00016; 1000 Genomes Project 0.00020; gnomAD 0.00021; ESP Exome Variant Server 0.00023; TOPMed 0.00023.
gnomAD v4.1: 71 of 1,614,182 alleles (0.0044%); highest among the groups gnomAD compares: African/African-American, 0.065%; no homozygotes.

Submission:

PreventionGenetics, part of Exact Sciences
Classification: Likely benign for WDR48-related condition. Last evaluated: 2019-09-18. Review status: no assertion criteria provided. Collection method: clinical testing. Allele origin: germline.
Comment: This variant is classified as likely benign based on ACMG/AMP sequence variant interpretation guidelines (Richards et al. 2015 PMID: 25741868, with internal and published modifications).

NM_020839.4(WDR48):c.1551T>C (p.Phe517=)

Gene: WDR48 (WD repeat domain 48; plus strand). Cytogenetic location: 3p22.2.
Variant type: single nucleotide variant.
Coding change: c.1551T>C on transcript NM_020839.4 (MANE Select); coding-DNA position 1551, T replaced by C.
Protein change: p.Phe517=; no amino-acid change (phenylalanine 517 retained).
Molecular consequence: synonymous variant. On other transcripts: non-coding transcript variant (3).
Genome position (GRCh38, 1-based): chr3:39,088,204, T>C. VCF-style: chr3-39088204-T-C. GRCh37 (hg19) VCF-style: chr3-39129695-T-C.
Other names: c.1305T>C, p.Phe435= (NM_001303402.2); c.1524T>C, p.Phe508= (NM_001303403.2); c.1665T>C, p.Phe555= (NM_001346225.2); c.1380T>C, p.Phe460= (NM_001346226.2); c.1026T>C, p.Phe342= (NM_001346227.2); c.1341T>C, p.Phe447= (NM_001346228.2).
Identifiers: ClinVar variation 3040928 (VCV003040928.2), dbSNP rs34585443, ClinGen allele CA2323277.